The following is an entry in ClinVar:

ClinVar aggregate classification (germline): Likely pathogenic (1 of 4 stars; one submission).

Conditions:
Incidental Discovery. Identifiers: MedGen C1135954.

Submission:

Clinical Genetics Laboratory, Skane University Hospital Lund
Classification: Likely pathogenic for Incidental Discovery. Last evaluated: 2026-08-27. Review status: criteria provided, single submitter. Criteria: ACMG Guidelines, 2015. Collection method: clinical testing. Allele origin: germline. Affected: yes.
Comment: PVS1, PM2

NM_002637.4(PHKA1):c.3157C>T (p.Gln1053Ter)

Gene: PHKA1 (phosphorylase kinase regulatory subunit alpha 1; minus strand). Cytogenetic location: Xq13.1.
Variant type: single nucleotide variant.
Coding change: c.3157C>T on transcript NM_002637.4 (MANE Select); coding-DNA position 3157, C replaced by T.
Protein change: p.Gln1053Ter; replaces glutamine 1053 with a stop codon.
Molecular consequence: nonsense.
Genome position (GRCh38, 1-based): chrX:72,593,190, G>A on the plus strand (C>T on the coding strand, the complement: PHKA1 is on the minus strand). VCF-style: chrX-72593190-G-A. GRCh37 (hg19) VCF-style: chrX-71813040-G-A.
Other names: c.3118C>T, p.Gln1040Ter (NM_001122670.2, NM_001440787.1); c.2941C>T, p.Gln981Ter (NM_001172436.2, NM_001440788.1); c.3208C>T, p.Gln1070Ter (NM_001431068.1); short protein forms Q1040*, Q1053*, Q1070*, Q981*.
Identifiers: ClinVar variation 5010281 (VCV005010281.1).